The following is an entry in ClinVar:

ClinVar aggregate classification (germline): Uncertain significance (1 of 4 stars; one submission).

Conditions:
Hereditary cancer-predisposing syndrome. Also called: Tumor predisposition; Hereditary neoplastic syndrome; Hereditary Cancer Syndrome; Neoplastic Syndromes, Hereditary. Identifiers: Orphanet 140162, MedGen C0027672, MeSH D009386, MONDO:0015356.

Submission:

Ambry Genetics
Classification: Uncertain significance for Hereditary cancer-predisposing syndrome. Last evaluated: 2025-05-29. Review status: criteria provided, single submitter. Criteria: Ambry Variant Classification Scheme 2023. Collection method: clinical testing. Allele origin: germline.
Comment: The p.L379R variant (also known as c.1136T>G), located in coding exon 10 of the PRKAR1A gene, results from a T to G substitution at nucleotide position 1136. The leucine at codon 379 is replaced by arginine, an amino acid with dissimilar properties. This amino acid position is conserved. In addition, this alteration is predicted to be deleterious by in silico analysis. Based on the available evidence, the clinical significance of this variant remains unclear.

NM_002734.5(PRKAR1A):c.1136T>G (p.Leu379Arg)

Gene: PRKAR1A (protein kinase cAMP-dependent type I regulatory subunit alpha; plus strand). Cytogenetic location: 17q24.2.
Variant type: single nucleotide variant.
Coding change: c.1136T>G on transcript NM_002734.5 (MANE Select); coding-DNA position 1136, T replaced by G.
Protein change: p.Leu379Arg; replaces leucine 379 with arginine.
Molecular consequence: missense variant. On other transcripts: intron variant (1).
Genome position (GRCh38, 1-based): chr17:68,530,439, T>G. VCF-style: chr17-68530439-T-G. GRCh37 (hg19) VCF-style: chr17-66526580-T-G.
Other names: c.1136T>G, p.Leu379Arg (NM_001276289.2, NM_001278433.2, NM_001369389.1 and 3 more transcripts); c.973+438T>G (NM_001276290.1); short protein forms L379R.
Identifiers: ClinVar variation 3938099 (VCV003938099.1).